The following is an entry in ClinVar:

NM_001267550.2(TTN):c.7057+2T>C

Genes: TTN (titin; minus strand), LOC126806433 (BRD4-independent group 4 enhancer GRCh37_chr2:179638309-179639508; plus strand). Cytogenetic location: 2q31.2.
Variant type: single nucleotide variant.
Coding change: c.7057+2T>C on transcript NM_001267550.2 (MANE Select); the canonical splice donor site of the intron after coding-DNA position 7057, T replaced by C.
Molecular consequence: splice donor variant.
Genome position (GRCh38, 1-based): chr2:178,774,205, A>G on the plus strand (T>C on the coding strand, the complement: TTN is on the minus strand). VCF-style: chr2-178774205-A-G. GRCh37 (hg19) VCF-style: chr2-179638932-A-G.
Other names: c.6919+2T>C (NM_003319.4, NM_133437.4, NM_133432.3); c.7057+2T>C (NM_133378.4, NM_001256850.1, NM_133379.5).
Identifiers: ClinVar variation 1495425 (VCV001495425.6), dbSNP rs2154345049, ClinGen allele CA349681114.
Genomic context (GRCh38, chr2:178,774,205, plus strand): 5'-CATTTTTTATCAATAAACCATAATGATGCTCACTGCAGGCTGACAGGAATGGGAGGACTT[A>G]CGTTTCATCTTTAATTTACAGGTTGTCTTTTTCCCGTCGATGACAAAGCTGTATTCTCCC-3'

ClinVar aggregate classification (germline): Likely pathogenic (1 of 4 stars; one submission).

Conditions:
Dilated cardiomyopathy 1G (CMD1G). Identifiers: Orphanet 154, MedGen C1858763, MONDO:0011400, OMIM 604145.
Autosomal recessive limb-girdle muscular dystrophy type 2J (LGMDR10). Also called: Limb-girdle muscular dystrophy, type 2J; MUSCULAR DYSTROPHY, LIMB-GIRDLE, AUTOSOMAL RECESSIVE 10. Identifiers: Orphanet 140922, MedGen C1837342, MONDO:0012127, OMIM 608807.

Submission:

Labcorp Genetics (formerly Invitae), Labcorp
Classification: Likely pathogenic for Dilated cardiomyopathy 1G; Autosomal recessive limb-girdle muscular dystrophy type 2J. Last evaluated: 2023-11-20. Review status: criteria provided, single submitter. Criteria: Invitae Variant Classification Sherloc (09022015). Collection method: clinical testing. Allele origin: germline.
Comment: This sequence change affects a donor splice site in intron 30 of the TTN gene. It is expected to disrupt RNA splicing and likely results in a truncated or disrupted TTN protein. This variant is not present in population databases (gnomAD no frequency). This variant has not been reported in the literature in individuals affected with TTN-related conditions. ClinVar contains an entry for this variant (Variation ID: 1495425). Algorithms developed to predict the effect of sequence changes on RNA splicing suggest that this variant may disrupt the consensus splice site. This variant is located in the I band of TTN (PMID: 25589632). Truncating variants in this region have been reported in individuals affected with autosomal recessive centronuclear myopathy (PMID: 23975875). Truncating variants in this region have also been identified in individuals affected with autosomal dominant dilated cardiomyopathy and/or cardio-related conditions (PMID: 27869827, 32964742). In summary, the currently available evidence indicates that the variant is pathogenic, but additional data are needed to prove that conclusively. Therefore, this variant has been classified as Likely Pathogenic.

Literature cited by the submitters: PubMed 25589632; PubMed 23975875; PubMed 27869827; PubMed 32964742.